The following is an entry in ClinVar:

ClinVar aggregate classification (germline): Uncertain significance. Review status: criteria provided, multiple submitters, no conflicts (2 of 4 stars). 3 submissions from 3 submitters: Uncertain significance (3). Last evaluated 2024-11-11.

Conditions:
Inborn genetic diseases. Identifiers: MedGen C0950123, MeSH D030342.

Allele frequency attached by ClinVar (database versions not stated): gnomAD exomes 0.00001; ExAC 0.00003; ESP Exome Variant Server 0.00008; TOPMed 0.00016; gnomAD 0.00021.
gnomAD v4.1: 49 of 1,613,970 alleles (0.003%); highest among the groups gnomAD compares: African/African-American, 0.057%; no homozygotes.

Submissions (3):

GeneDx
Classification: Uncertain significance. Last evaluated: 2024-11-11. Review status: criteria provided, single submitter. Criteria: GeneDx Variant Classification Process June 2021. Collection method: clinical testing. Allele origin: germline. Affected: yes.
Comment: In silico analysis supports that this missense variant has a deleterious effect on protein structure/function; Has not been previously published as pathogenic or benign to our knowledge

Ambry Genetics
Classification: Uncertain significance for Inborn genetic diseases. Last evaluated: 2024-05-01. Review status: criteria provided, single submitter. Criteria: Ambry Variant Classification Scheme 2023. Collection method: clinical testing. Allele origin: germline.

Labcorp Genetics (formerly Invitae), Labcorp
Classification: Uncertain significance. Last evaluated: 2022-08-21. Review status: criteria provided, single submitter. Criteria: Invitae Variant Classification Sherloc (09022015). Collection method: clinical testing. Allele origin: germline.
Comment: This sequence change replaces threonine, which is neutral and polar, with isoleucine, which is neutral and non-polar, at codon 357 of the PARS2 protein (p.Thr357Ile). This variant is present in population databases (rs376406215, gnomAD 0.05%). This variant has not been reported in the literature in individuals affected with PARS2-related conditions. Algorithms developed to predict the effect of missense changes on protein structure and function are either unavailable or do not agree on the potential impact of this missense change (SIFT: "Tolerated"; PolyPhen-2: "Possibly Damaging"; Align-GVGD: "Class C0"). In summary, the available evidence is currently insufficient to determine the role of this variant in disease. Therefore, it has been classified as a Variant of Uncertain Significance.

NM_152268.4(PARS2):c.1070C>T (p.Thr357Ile)

Gene: PARS2 (prolyl-tRNA synthetase 2, mitochondrial; minus strand). Cytogenetic location: 1p32.3.
Variant type: single nucleotide variant.
Coding change: c.1070C>T on transcript NM_152268.4 (MANE Select); coding-DNA position 1070, C replaced by T.
Protein change: p.Thr357Ile; replaces threonine 357 with isoleucine.
Molecular consequence: missense variant.
Genome position (GRCh38, 1-based): chr1:54,758,092, G>A on the plus strand (C>T on the coding strand, the complement: PARS2 is on the minus strand). VCF-style: chr1-54758092-G-A. GRCh37 (hg19) VCF-style: chr1-55223765-G-A.
Other names: c.1070C>T (NM_152268.3); short protein forms T357I.
Identifiers: ClinVar variation 2150280 (VCV002150280.6), dbSNP rs376406215, ClinGen allele CA869369.